The following is an entry in ClinVar:

NM_021922.3(FANCE):c.*151A>G

Gene: FANCE (FA complementation group E; plus strand). Cytogenetic location: 6p21.31.
Variant type: single nucleotide variant.
Coding change: c.*151A>G on transcript NM_021922.3 (MANE Select); 151 bases downstream of the stop codon, A replaced by G.
Molecular consequence: 3 prime UTR variant.
Genome position (GRCh38, 1-based): chr6:35,466,496, A>G. VCF-style: chr6-35466496-A-G. GRCh37 (hg19) VCF-style: chr6-35434273-A-G.
Identifiers: ClinVar variation 356455 (VCV000356455.6), dbSNP rs16876572, ClinGen allele CA10626529.

ClinVar aggregate classification (germline): Benign. Review status: criteria provided, multiple submitters, no conflicts (2 of 4 stars). 2 submissions from 2 submitters: Benign (2). Last evaluated 2019-01-10.

Conditions:
Fanconi anemia complementation group E (FANCE). Also called: FANCE-Related Fanconi Anemia. Identifiers: Orphanet 84, MedGen C3160739, MONDO:0010953, OMIM 600901.

Allele frequency attached by ClinVar (database versions not stated): gnomAD exomes 0.02851; 1000 Genomes Project 0.04633; 1000 Genomes Project 30x 0.05012; gnomAD 0.05358 and 0.05645; TOPMed 0.05838.
gnomAD v4.1: 23,552 of 689,334 alleles (3.4%); highest among the groups gnomAD compares: African/African-American, 12%; 636 homozygotes.

Submissions (2):

GeneDx
Classification: Benign. Last evaluated: 2019-01-10. Review status: criteria provided, single submitter. Criteria: GeneDx Variant Classification Process June 2021. Collection method: clinical testing. Allele origin: germline. Affected: yes.

Illumina Laboratory Services, Illumina
Classification: Benign for Fanconi anemia complementation group E. Last evaluated: 2018-01-13. Review status: criteria provided, single submitter. Criteria: ICSL Variant Classification Criteria 13 December 2019. Collection method: clinical testing. Allele origin: germline.
Comment: This variant was observed in the ICSL laboratory as part of a predisposition screen in an ostensibly healthy population. It had not been previously curated by ICSL or reported in the Human Gene Mutation Database (HGMD: prior to June 1st, 2018), and was therefore a candidate for classification through an automated scoring system. Utilizing variant allele frequency, disease prevalence and penetrance estimates, and inheritance mode, an automated score was calculated to assess if this variant is too frequent to cause the disease. Based on the score and internal cut-off values, a variant classified as benign is not then subjected to further curation. The score for this variant resulted in a classification of benign for this disease.